The following is an entry in ClinVar:

ClinVar aggregate classification (germline): Pathogenic. Review status: criteria provided, multiple submitters, no conflicts (2 of 4 stars). 12 submissions from 12 submitters: Pathogenic (10). 2 of the submissions do not count toward it. Last evaluated 2026-05-26.

Conditions:
RAB23-related disorder. Also called: RAB23-related condition.
Inborn genetic diseases. Identifiers: MedGen C0950123, MeSH D030342.
Carpenter syndrome. Identifiers: Orphanet 65759, MedGen C1275078, MONDO:0019012.
RAB23-related Carpenter syndrome. Also called: Carpenter syndrome 1; ACPS II. Identifiers: Orphanet 65759, MedGen C4551510, MONDO:0008710, OMIM 201000.

Allele frequency attached by ClinVar (database versions not stated): gnomAD exomes 0.00028 and 0.00060; ExAC 0.00029; TOPMed 0.00034; gnomAD 0.00036 and 0.00037; 1000 Genomes Project 30x 0.00047; 1000 Genomes Project 0.00040.

Submissions (13):

PreventionGenetics, part of Exact Sciences
Classification: Pathogenic for RAB23-related condition. Last evaluated: 2026-05-26. Review status: criteria provided, single submitter. Criteria: ACMG Guidelines, 2015. Collection method: clinical testing. Allele origin: germline.
Comment: The RAB23 c.434T>A variant is predicted to result in premature protein termination (p.Leu145*). This variant has been reported in the homozygous or compound heterozygous state in individuals with Carpenter syndrome and has been described as a founder variant in the Northern European population (see, for example: Jenkins et al. 2007. PubMed ID: 17503333; Jenkins et al. 2011. PubMed ID: 21412941; Victorine et al. 2014. PubMed ID: 24458945). Experimental studies indicate this variant impacts protein function (Leong et al. 2025. PubMed ID: 40825043). This variant is reported in 0.057% of alleles in individuals of European (non-Finnish) descent in gnomAD. Nonsense variants in RAB23 are expected to be pathogenic. This variant is interpreted as pathogenic.

Labcorp Genetics (formerly Invitae), Labcorp
Classification: Pathogenic for Carpenter syndrome. Last evaluated: 2025-11-23. Review status: criteria provided, single submitter. Criteria: Invitae Variant Classification Sherloc (09022015). Collection method: clinical testing. Allele origin: germline.
Comment: This sequence change creates a premature translational stop signal (p.Leu145*) in the RAB23 gene. It is expected to result in an absent or disrupted protein product. Loss-of-function variants in RAB23 are known to be pathogenic (PMID: 17503333, 21412941). This variant is present in population databases (rs121908171, gnomAD 0.06%). This premature translational stop signal has been observed in individuals with Carpenter syndrome (PMID: 17503333, 21412941, 24458945). ClinVar contains an entry for this variant (Variation ID: 4591). For these reasons, this variant has been classified as Pathogenic.

Natera, Inc.
Classification: Pathogenic for Carpenter syndrome 1. Last evaluated: 2025-10-03. Review status: criteria provided, single submitter. Criteria: Natera Variant Classification Schema (03/2026). Collection method: clinical testing. Allele origin: germline.
Comment: The c.434T>A variant in RAB23 is a nonsense variant predicted to introduce a stop codon at amino acid 145. This variant is expected to result in nonsense mediated decay, truncation, or a dysfunctional protein product. This variant has been observed in one or more individuals affected with the associated recessive disease, as either homozygous or compound heterozygous with a second variant (PMID: 17503333). Additionally, this variant has been observed to segregate in affected family members (PMID: 17503333). Given the available evidence, this variant is classified as Pathogenic.

Blueprint Genetics
Classification: Pathogenic for RAB23-related disorders. Last evaluated: 2024-09-25. Review status: criteria provided, single submitter. Criteria: ACMG Guidelines, 2015. Collection method: clinical testing. Allele origin: germline. Affected: yes. Observed: 5 variant alleles.

Fulgent Genetics
Classification: Pathogenic for RAB23-related Carpenter syndrome. Last evaluated: 2024-02-12. Review status: criteria provided, single submitter. Criteria: ACMG Guidelines, 2015. Collection method: clinical testing. Allele origin: germline.

Victorian Clinical Genetics Services, Murdoch Childrens Research Institute
Classification: Pathogenic for RAB23-related Carpenter syndrome. Last evaluated: 2023-07-17. Review status: criteria provided, single submitter. Criteria: ACMG Guidelines, 2015. Collection method: clinical testing. Allele origin: germline. Inheritance: Autosomal recessive inheritance. Affected: yes.
Comment: Based on the classification scheme VCGS_Germline_v1.3.4, this variant is classified as Pathogenic. Following criteria are met: 0102 - Loss of function is a known mechanism of disease in this gene and is associated with Carpenter syndrome (MIM#201000). (I) 0115 - Variants in this gene are known to have variable expressivity. Main features are craniosynostosis, obesity, polydactyly, and soft-tissue syndactylyeatures; additional features are variable (PMID: 17503333). (I) 0106 - This gene is associated with autosomal recessive disease. (I) 0201 - Variant is predicted to cause nonsense-mediated decay (NMD) and loss of protein (premature termination codon is located at least 54 nucleotides upstream of the final exon-exon junction). (SP) 0252 - This variant is homozygous. (I) 0304 - Variant is present in gnomAD <0.01 for a recessive condition (v2 & v3: 125 heterozygotes, 0 homozygotes). (SP) 0702 - Other variants predicted to cause NMD comparable to the one identified in this case have strong previous evidence for pathogenicity (DECIPHER). (SP) 0801 - This variant has strong previous evidence of pathogenicity in unrelated individuals. It has been regarded as pathogenic by multiple clinical laboratories in ClinVar and detected in many individuals with Carpenter syndrome, both homozygous and compound heterozygous (PMID: 17503333). (I) Legend: (SP) - Supporting pathogenic, (I) - Information, (SB) - Supporting benign

Revvity Omics, Revvity
Classification: Pathogenic for RAB23-related Carpenter syndrome. Last evaluated: 2022-11-23. Review status: criteria provided, single submitter. Criteria: ACMG Guidelines, 2015. Collection method: clinical testing. Allele origin: germline.

GeneDx
Classification: Pathogenic. Last evaluated: 2022-09-08. Review status: criteria provided, single submitter. Criteria: GeneDx Variant Classification Process June 2021. Collection method: clinical testing. Allele origin: germline. Affected: yes.
Comment: Nonsense variant predicted to result in protein truncation or nonsense mediated decay in a gene for which loss-of-function is a known mechanism of disease; This variant is associated with the following publications: (PMID: 25525159, 23599695, 21412941, 24458945, 30487145, 25168863, 20358613, 31980526, 31589614, 17503333)

Genetics and Molecular Pathology, SA Pathology
Classification: Pathogenic for RAB23-related Carpenter syndrome. Last evaluated: 2022-03-02. Review status: criteria provided, single submitter. Criteria: ACMG Guidelines, 2015. Collection method: clinical testing. Allele origin: germline.

Ambry Genetics
Classification: Pathogenic for Inborn genetic diseases. Last evaluated: 2014-09-07. Review status: criteria provided, single submitter. Criteria: Ambry exome assertion method (8-5-2015). Collection method: clinical testing. Allele origin: germline. Affected: yes. Observed: 1 variant allele.

Molecular Genetics Laboratory, BC Children's and BC Women's Hospitals
Classification: Pathogenic for RAB23-related Carpenter syndrome. Last evaluated: 2024-07-09. Review status: no assertion criteria provided. Criteria: ACMG Guidelines, 2015. Collection method: clinical testing. Allele origin: maternal. Affected: yes. Not counted in ClinVar's aggregate classification.

OMIM
Classification: Pathogenic for CARPENTER SYNDROME. Last evaluated: 2007-06-01. Review status: no assertion criteria provided. Collection method: literature only. Allele origin: germline. Not counted in ClinVar's aggregate classification.

Dr. Peter K. Rogan Lab, Western University
No classification provided (evidence only). Condition: Clear cell carcinoma of kidney. Review status: no classification provided. Collection method: in vitro. Allele origin: not applicable. Functional consequence: skipped exon, retained intron. Not counted in ClinVar's aggregate classification.

Literature cited by the submitters: PubMed 17503333 (cited by 5 submitters); PubMed 21412941 (cited by Labcorp Genetics (formerly Invitae), Labcorp and Ambry Genetics); PubMed 24458945 (cited by Labcorp Genetics (formerly Invitae), Labcorp and Ambry Genetics).

NM_016277.5(RAB23):c.434T>A (p.Leu145Ter)

Gene: RAB23 (RAB23, member RAS oncogene family; minus strand). Cytogenetic location: 6p12.1.
Variant type: single nucleotide variant.
Coding change: c.434T>A on transcript NM_016277.5 (MANE Select); coding-DNA position 434, T replaced by A.
Protein change: p.Leu145Ter; replaces leucine 145 with a stop codon.
Molecular consequence: nonsense.
Genome position (GRCh38, 1-based): chr6:57,194,817, A>T on the plus strand (T>A on the coding strand, the complement: RAB23 is on the minus strand). VCF-style: chr6-57194817-A-T. GRCh37 (hg19) VCF-style: chr6-57059615-A-T.
Other names: c.434T>A, p.Leu145Ter (NM_001278666.2, NM_001278667.2, NM_001278668.2 and 1 more transcripts); short protein forms L145*.
Identifiers: ClinVar variation 4591 (VCV000004591.37), dbSNP rs121908171, ClinGen allele CA116937.